The following is an entry in ClinVar:

ClinVar aggregate classification (germline): Uncertain significance. Review status: criteria provided, multiple submitters, no conflicts (2 of 4 stars). 5 submissions from 5 submitters: Uncertain significance (5). Last evaluated 2025-06-20.

Conditions:
CCDC50-related disorder. Also called: CCDC50-related condition.

Allele frequency attached by ClinVar (database versions not stated): gnomAD 0.00001; gnomAD exomes 0.00002; TOPMed 0.00002; ExAC 0.00004; 1000 Genomes Project 30x 0.00016; 1000 Genomes Project 0.00020.
gnomAD v4.1: 39 of 1,613,760 alleles (0.0024%); highest among the groups gnomAD compares: South Asian, 0.0033%; no homozygotes.

Submissions (5):

PreventionGenetics, part of Exact Sciences
Classification: Uncertain significance for CCDC50-related condition. Last evaluated: 2025-06-20. Review status: criteria provided, single submitter. Criteria: ACMG Guidelines, 2015. Collection method: clinical testing. Allele origin: germline.
Comment: The CCDC50 c.226C>T variant is predicted to result in the amino acid substitution p.Arg76Cys. To our knowledge, this variant has not been reported in the literature. This variant is reported in 0.0065% of alleles in individuals of South Asian descent in gnomAD. At this time, the clinical significance of this variant is uncertain due to the absence of conclusive functional and genetic evidence.

Labcorp Genetics (formerly Invitae), Labcorp
Classification: Uncertain significance. Last evaluated: 2024-02-14. Review status: criteria provided, single submitter. Criteria: Invitae Variant Classification Sherloc (09022015). Collection method: clinical testing. Allele origin: germline.
Comment: This sequence change replaces arginine, which is basic and polar, with cysteine, which is neutral and slightly polar, at codon 76 of the CCDC50 protein (p.Arg76Cys). This variant is present in population databases (rs575240044, gnomAD 0.006%). This variant has not been reported in the literature in individuals affected with CCDC50-related conditions. ClinVar contains an entry for this variant (Variation ID: 505396). An algorithm developed to predict the effect of missense changes on protein structure and function (PolyPhen-2) suggests that this variant is likely to be disruptive. In summary, the available evidence is currently insufficient to determine the role of this variant in disease. Therefore, it has been classified as a Variant of Uncertain Significance.

Ambry Genetics
Classification: Uncertain significance. Last evaluated: 2023-10-05. Review status: criteria provided, single submitter. Criteria: Ambry Variant Classification Scheme 2023. Collection method: clinical testing. Allele origin: germline.

Laboratory for Molecular Medicine, Mass General Brigham Personalized Medicine
Classification: Uncertain significance. Last evaluated: 2017-01-12. Review status: criteria provided, single submitter. Criteria: LMM Criteria. Collection method: clinical testing. Allele origin: germline. Observed: 2 variant alleles.
Comment: Variant classified as Uncertain Significance - Favor Benign. It has been identified in 2/16512 South Asian chromosomes by the Exome Aggregation Consortium (ExAC; dbSNP rs575240044). Computational prediction tools an d conservation analysis suggest that the p.Arg76Cys variant may impact the prote in, though this information is not predictive enough to determine pathogenicity. In summary, while the clinical significance of the p.Arg76Cys variant is uncert ain, its presence in an unaffected individual suggests that it is more likely to be benign.

Breakthrough Genomics
Classification: Uncertain significance. Review status: criteria provided, single submitter. Criteria: ACMG Guidelines, 2015. Collection method: not provided. Allele origin: germline. Inheritance: Autosomal dominant inheritance. Affected: yes.

NM_178335.3(CCDC50):c.226C>T (p.Arg76Cys)

Gene: CCDC50 (coiled-coil domain containing 50; plus strand). Cytogenetic location: 3q28.
Variant type: single nucleotide variant.
Coding change: c.226C>T on transcript NM_178335.3 (MANE Select); coding-DNA position 226, C replaced by T.
Protein change: p.Arg76Cys; replaces arginine 76 with cysteine.
Molecular consequence: missense variant.
Genome position (GRCh38, 1-based): chr3:191,358,111, C>T. VCF-style: chr3-191358111-C-T. GRCh37 (hg19) VCF-style: chr3-191075900-C-T.
Other names: c.226C>T, p.Arg76Cys (NM_174908.4); short protein forms R76C.
Identifiers: ClinVar variation 505396 (VCV000505396.9), dbSNP rs575240044, ClinGen allele CA2755184.